The following is an entry in ClinVar:

NM_017780.4(CHD7):c.2978A>G (p.Asp993Gly)

Gene: CHD7 (chromodomain helicase DNA binding protein 7; plus strand). Cytogenetic location: 8q12.2.
Variant type: single nucleotide variant.
Coding change: c.2978A>G on transcript NM_017780.4 (MANE Select); coding-DNA position 2978, A replaced by G.
Protein change: p.Asp993Gly; replaces aspartic acid 993 with glycine.
Molecular consequence: missense variant. On other transcripts: intron variant (1).
Genome position (GRCh38, 1-based): chr8:60,822,523, A>G. VCF-style: chr8-60822523-A-G. GRCh37 (hg19) VCF-style: chr8-61735082-A-G.
Other names: c.1717-39706A>G (NM_001316690.1); short protein forms D993G.
Identifiers: ClinVar variation 3492067 (VCV003492067.2).

ClinVar aggregate classification (germline): Uncertain significance. Review status: criteria provided, multiple submitters, no conflicts (2 of 4 stars). 2 submissions from 2 submitters: Uncertain significance (2). Last evaluated 2026-04-21.

Conditions:
Inborn genetic diseases. Identifiers: MedGen C0950123, MeSH D030342.

Submissions (2):

Women's Health and Genetics/Laboratory Corporation of America, LabCorp
Classification: Uncertain significance. Last evaluated: 2026-04-21. Review status: criteria provided, single submitter. Criteria: LabCorp Variant Classification Summary - May 2015. Collection method: clinical testing. Allele origin: germline.
Comment: Variant summary: CHD7 c.2978A>G (p.Asp993Gly) results in a non-conservative amino acid change in the encoded protein sequence. Algorithms developed to predict the effect of missense changes on protein structure and function all suggest that this variant is likely to be disruptive. The variant was absent in 248928 control chromosomes. The available data on variant occurrences in the general population are insufficient to allow any conclusion about variant significance. To our knowledge, no occurrence of c.2978A>G in individuals affected with CHD7-related conditions and no experimental evidence demonstrating its impact on protein function have been reported. ClinVar contains an entry for this variant (Variation ID: 3492067). Based on the evidence outlined above, the variant was classified as uncertain significance.

Ambry Genetics
Classification: Uncertain significance for Inborn genetic diseases. Last evaluated: 2024-10-28. Review status: criteria provided, single submitter. Criteria: Ambry Variant Classification Scheme 2023. Collection method: clinical testing. Allele origin: germline.
Comment: The c.2978A>G (p.D993G) alteration is located in exon 12 (coding exon 11) of the CHD7 gene. This alteration results from an A to G substitution at nucleotide position 2978, causing the aspartic acid (D) at amino acid position 993 to be replaced by a glycine (G). This variant was not reported in population-based cohorts in the Genome Aggregation Database (gnomAD). Another alteration at the same codon, c.2977G>A (p.D993N), has been detected de novo in an individual with features consistent with CHARGE syndrome (DECIPHER). This amino acid position is highly conserved in available vertebrate species. This alteration is predicted to be deleterious by in silico analysis. Based on insufficient or conflicting evidence, the clinical significance of this alteration remains unclear.